The following is an entry in ClinVar:

NM_001365999.1(SZT2):c.3502G>T (p.Asp1168Tyr)

Gene: SZT2 (SZT2 subunit of KICSTOR complex; plus strand). Cytogenetic location: 1p34.2.
Variant type: single nucleotide variant.
Coding change: c.3502G>T on transcript NM_001365999.1 (MANE Select); coding-DNA position 3502, G replaced by T.
Protein change: p.Asp1168Tyr; replaces aspartic acid 1168 with tyrosine.
Molecular consequence: missense variant.
Genome position (GRCh38, 1-based): chr1:43,427,349, G>T. VCF-style: chr1-43427349-G-T. GRCh37 (hg19) VCF-style: chr1-43893020-G-T.
Other names: c.3331G>T, p.Asp1111Tyr (NM_015284.4); short protein forms D1111Y, D1168Y.
Identifiers: ClinVar variation 970032 (VCV000970032.11), dbSNP rs887336448, ClinGen allele CA21634482.

ClinVar aggregate classification (germline): Uncertain significance. Review status: criteria provided, multiple submitters, no conflicts (2 of 4 stars). 3 submissions from 3 submitters: Uncertain significance (3). Last evaluated 2024-10-22.

Conditions:
Developmental and epileptic encephalopathy, 18 (DEE18). Also called: Early infantile epileptic encephalopathy 18. Identifiers: Orphanet 369894, MedGen C3809624, MONDO:0014201, OMIM 615476.

Allele frequency attached by ClinVar (database versions not stated): gnomAD 0.00001 and 0.00013; TOPMed 0.00014.
gnomAD v4.1: 24 of 1,613,988 alleles (0.0015%); highest among the groups gnomAD compares: Non-Finnish European, 0.00068%; no homozygotes.

Submissions (3):

Labcorp Genetics (formerly Invitae), Labcorp
Classification: Uncertain significance. Last evaluated: 2024-10-22. Review status: criteria provided, single submitter. Criteria: Invitae Variant Classification Sherloc (09022015). Collection method: clinical testing. Allele origin: germline.
Comment: This sequence change replaces aspartic acid, which is acidic and polar, with tyrosine, which is neutral and polar, at codon 1111 of the SZT2 protein (p.Asp1111Tyr). This variant is not present in population databases (gnomAD no frequency). This variant has not been reported in the literature in individuals affected with SZT2-related conditions. ClinVar contains an entry for this variant (Variation ID: 970032). Invitae Evidence Modeling of protein sequence and biophysical properties (such as structural, functional, and spatial information, amino acid conservation, physicochemical variation, residue mobility, and thermodynamic stability) indicates that this missense variant is not expected to disrupt SZT2 protein function with a negative predictive value of 80%. In summary, the available evidence is currently insufficient to determine the role of this variant in disease. Therefore, it has been classified as a Variant of Uncertain Significance.

GeneDx
Classification: Uncertain significance. Last evaluated: 2024-08-19. Review status: criteria provided, single submitter. Criteria: GeneDx Variant Classification Process June 2021. Collection method: clinical testing. Allele origin: germline. Affected: yes.
Comment: Has not been previously published as pathogenic or benign to our knowledge; Not observed at significant frequency in large population cohorts (gnomAD); In silico analysis indicates that this missense variant does not alter protein structure/function

Genome-Nilou Lab
Classification: Uncertain significance for Developmental and epileptic encephalopathy, 18. Last evaluated: 2023-04-11. Review status: criteria provided, single submitter. Criteria: ACMG Guidelines, 2015. Collection method: clinical testing. Allele origin: germline. Affected: no.